The following is an entry in ClinVar:

ClinVar aggregate classification (germline): Uncertain significance (1 of 4 stars; one submission).

Conditions:
Hereditary breast ovarian cancer syndrome. Also called: Hereditary breast and ovarian cancer syndrome; Hereditary breast and ovarian cancer syndrome (HBOC); BRCA1- and BRCA2-Associated Hereditary Breast and Ovarian Cancer; Hereditary breast and ovarian cancer; Breast and ovarian cancer; Hereditary breast and/or ovarian cancer syndrome. Identifiers: Orphanet 145, MedGen C0677776, MeSH D061325, MONDO:0003582. Disease mechanism: loss of function.

Submission:

Labcorp Genetics (formerly Invitae), Labcorp
Classification: Uncertain significance for Hereditary breast ovarian cancer syndrome. Last evaluated: 2024-02-09. Review status: criteria provided, single submitter. Criteria: Invitae Variant Classification Sherloc (09022015). Collection method: clinical testing. Allele origin: germline.
Comment: This sequence change replaces leucine, which is neutral and non-polar, with tryptophan, which is neutral and slightly polar, at codon 1897 of the BRCA2 protein (p.Leu1897Trp). This variant is not present in population databases (gnomAD no frequency). This variant has not been reported in the literature in individuals affected with BRCA2-related conditions. Advanced modeling of protein sequence and biophysical properties (such as structural, functional, and spatial information, amino acid conservation, physicochemical variation, residue mobility, and thermodynamic stability) performed at Invitae indicates that this missense variant is not expected to disrupt BRCA2 protein function with a negative predictive value of 95%. In summary, the available evidence is currently insufficient to determine the role of this variant in disease. Therefore, it has been classified as a Variant of Uncertain Significance.

NM_000059.4(BRCA2):c.5690T>G (p.Leu1897Trp)

Gene: BRCA2 (BRCA2 DNA repair associated; plus strand). Cytogenetic location: 13q13.1.
Variant type: single nucleotide variant.
Coding change: c.5690T>G on transcript NM_000059.4 (MANE Select); coding-DNA position 5690, T replaced by G.
Protein change: p.Leu1897Trp; replaces leucine 1897 with tryptophan.
Molecular consequence: missense variant. On other transcripts: non-coding transcript variant (1), intron variant (2).
Genome position (GRCh38, 1-based): chr13:32,340,045, T>G. VCF-style: chr13-32340045-T-G. GRCh37 (hg19) VCF-style: chr13-32914182-T-G.
Other names: c.5690T>G, p.Leu1897Trp (NM_001406719.1, NM_001406720.1, NM_001432077.1); c.1910-4513T>G (NM_001406721.1); c.425-4513T>G (NM_001406722.1); short protein forms L1897W.
Identifiers: ClinVar variation 3636497 (VCV003636497.2).